The following is an entry in ClinVar:

ClinVar aggregate classification (germline): Uncertain significance (1 of 4 stars; one submission).

Conditions:
Epilepsy, X-linked 1, with variable learning disabilities and behavior disorders. Also called: X-linked epilepsy-learning disabilities-behavior disorders syndrome. Identifiers: Orphanet 85294, MedGen C5774177, MONDO:0010339, OMIM 300491.

Allele frequency attached by ClinVar (database versions not stated): gnomAD exomes below 0.00001.
gnomAD v4.1: 5 of 1,211,330 alleles (0.00041%); highest among the groups gnomAD compares: Middle Eastern, 0.023%; no homozygotes.

Submission:

Labcorp Genetics (formerly Invitae), Labcorp
Classification: Uncertain significance for Epilepsy, X-linked 1, with variable learning disabilities and behavior disorders. Last evaluated: 2022-03-23. Review status: criteria provided, single submitter. Criteria: Invitae Variant Classification Sherloc (09022015). Collection method: clinical testing. Allele origin: germline.
Comment: This sequence change replaces arginine, which is basic and polar, with glutamine, which is neutral and polar, at codon 234 of the SYN1 protein (p.Arg234Gln). This variant is not present in population databases (gnomAD no frequency). This variant has not been reported in the literature in individuals affected with SYN1-related conditions. ClinVar contains an entry for this variant (Variation ID: 851606). Algorithms developed to predict the effect of missense changes on protein structure and function are either unavailable or do not agree on the potential impact of this missense change (SIFT: "Deleterious"; PolyPhen-2: "Possibly Damaging"; Align-GVGD: "Class C0"). In summary, the available evidence is currently insufficient to determine the role of this variant in disease. Therefore, it has been classified as a Variant of Uncertain Significance.

NM_006950.3(SYN1):c.701G>A (p.Arg234Gln)

Gene: SYN1 (synapsin I; minus strand). Cytogenetic location: Xp11.23.
Variant type: single nucleotide variant.
Coding change: c.701G>A on transcript NM_006950.3 (MANE Select); coding-DNA position 701, G replaced by A.
Protein change: p.Arg234Gln; replaces arginine 234 with glutamine.
Molecular consequence: missense variant.
Genome position (GRCh38, 1-based): chrX:47,605,051, C>T on the plus strand (G>A on the coding strand, the complement: SYN1 is on the minus strand). VCF-style: chrX-47605051-C-T. GRCh37 (hg19) VCF-style: chrX-47464450-C-T.
Other names: c.701G>A, p.Arg234Gln (NM_133499.2); short protein forms R234Q.
Identifiers: ClinVar variation 851606 (VCV000851606.9), dbSNP rs2057892166, ClinGen allele CA412823689.